The following is an entry in ClinVar:

ClinVar aggregate classification (germline): Conflicting classifications of pathogenicity. Review status: criteria provided, conflicting classifications (1 of 4 stars). 6 submissions from 6 submitters: Uncertain significance (1); Likely benign (5). Last evaluated 2026-08-31.

Conditions:
NOTCH1-related disorder. Also called: NOTCH1-related condition; NOTCH1-related disorders.
Adams-Oliver syndrome 5 (AOS5). Identifiers: Orphanet 974, MedGen C4014970, MONDO:0014459, OMIM 616028.
Familial thoracic aortic aneurysm and aortic dissection (TAAD). Also called: Thoracic aortic aneurysms and dissections. Identifiers: Orphanet 91387, MedGen C4707243, MONDO:0019625.

gnomAD v4.1: 153 of 1,611,478 alleles (0.0095%); highest among the groups gnomAD compares: South Asian, 0.022%; no homozygotes.

Submissions (6):

PreventionGenetics, part of Exact Sciences
Classification: Likely benign for NOTCH1-related condition. Last evaluated: 2026-08-31. Review status: criteria provided, single submitter. Criteria: ACMG Guidelines, 2015. Collection method: clinical testing. Allele origin: germline.
Comment: This variant is classified as likely benign based on ACMG/AMP sequence variant interpretation guidelines (Richards et al. 2015 PMID: 25741868, with internal and published modifications).

Labcorp Genetics (formerly Invitae), Labcorp
Classification: Likely benign for Adams-Oliver syndrome 5. Last evaluated: 2026-02-03. Review status: criteria provided, single submitter. Criteria: Invitae Variant Classification Sherloc (09022015). Collection method: clinical testing. Allele origin: germline.

CeGaT Center for Human Genetics Tuebingen
Classification: Likely benign. Last evaluated: 2025-04-01. Review status: criteria provided, single submitter. Criteria: CeGaT Center For Human Genetics Tuebingen Variant Classification Criteria Version 2. Collection method: clinical testing. Allele origin: germline. Affected: yes. Observed: 1 variant allele.
Comment: NOTCH1: BP4, BS1

Laboratory of Genetics, Children's Clinical University Hospital Latvia
Classification: Likely benign. Last evaluated: 2025-02-16. Review status: criteria provided, single submitter. Criteria: ACMG Guidelines, 2015. Collection method: clinical testing. Allele origin: germline. Affected: yes.

Blueprint Genetics
Classification: Likely benign. Last evaluated: 2024-04-09. Review status: criteria provided, single submitter. Criteria: ACMG Guidelines, 2015. Collection method: clinical testing. Allele origin: germline.

CHEO Genetics Diagnostic Laboratory, Children's Hospital of Eastern Ontario
Classification: Uncertain significance for Familial thoracic aortic aneurysm and aortic dissection. Last evaluated: 2021-11-16. Review status: criteria provided, single submitter. Criteria: ACMG Guidelines, 2015. Collection method: clinical testing. Allele origin: germline.

NM_017617.5(NOTCH1):c.1903+7G>A

Gene: NOTCH1 (notch receptor 1; minus strand). Cytogenetic location: 9q34.3.
Variant type: single nucleotide variant.
Coding change: c.1903+7G>A on transcript NM_017617.5 (MANE Select); 7 bases into the intron after coding-DNA position 1903, G replaced by A.
Molecular consequence: intron variant.
Genome position (GRCh38, 1-based): chr9:136,515,476, C>T on the plus strand (G>A on the coding strand, the complement: NOTCH1 is on the minus strand). VCF-style: chr9-136515476-C-T. GRCh37 (hg19) VCF-style: chr9-139409928-C-T.
Other names: c.1903+7G>A (NM_017617.3, NM_017617.4).
Identifiers: ClinVar variation 1096575 (VCV001096575.20), dbSNP rs760116150, ClinGen allele CA5341599.